The following is an entry in ClinVar:

NM_004958.4(MTOR):c.3395G>T (p.Arg1132Leu)

Gene: MTOR (mechanistic target of rapamycin kinase; minus strand). Cytogenetic location: 1p36.22.
Variant type: single nucleotide variant.
Coding change: c.3395G>T on transcript NM_004958.4 (MANE Select); coding-DNA position 3395, G replaced by T.
Protein change: p.Arg1132Leu; replaces arginine 1132 with leucine.
Molecular consequence: missense variant.
Genome position (GRCh38, 1-based): chr1:11,212,799, C>A on the plus strand (G>T on the coding strand, the complement: MTOR is on the minus strand). VCF-style: chr1-11212799-C-A. GRCh37 (hg19) VCF-style: chr1-11272856-C-A.
Other names: c.3395G>T, p.Arg1132Leu (NM_001386500.1); c.2147G>T, p.Arg716Leu (NM_001386501.1); short protein forms R1132L, R716L.
Identifiers: ClinVar variation 2630455 (VCV002630455.2), dbSNP rs1163014263, ClinGen allele CA338373630.
Genomic context (GRCh38, chr1:11,212,799, plus strand): 5'-ATTTTCAACAAAACATTAAAGCTTAAAGATTGCTAGTCCCAAAGAGGAGGTGCTCACTTT[C>A]GAGATGGCAGTGGAGCTTCAGGGGCATCAAACAACTTAACAATAGGAGGCAGCAGTAAAT-3'
Protein context (NP_004949.1, residues 1122-1142): FDAPEAPLPS[Arg1132Leu]KAALETVDRL

ClinVar aggregate classification (germline): Uncertain significance (0 of 4 stars; one submission).

Conditions:
MTOR-related disorder. Also called: MTOR-related condition.

Submission:

PreventionGenetics, part of Exact Sciences
Classification: Uncertain significance for MTOR-related condition. Last evaluated: 2024-04-23. Review status: no assertion criteria provided. Collection method: clinical testing. Allele origin: germline.
Comment: The MTOR c.3395G>T variant is predicted to result in the amino acid substitution p.Arg1132Leu. To our knowledge, this variant has not been reported in the literature or in a large population database, indicating this variant is rare. At this time, the clinical significance of this variant is uncertain due to the absence of conclusive functional and genetic evidence.